The following is an entry in ClinVar:

NM_005215.4(DCC):c.1084G>A (p.Val362Met)

Gene: DCC (DCC netrin 1 receptor; plus strand). Cytogenetic location: 18q21.2.
Variant type: single nucleotide variant.
Coding change: c.1084G>A on transcript NM_005215.4 (MANE Select); coding-DNA position 1084, G replaced by A.
Protein change: p.Val362Met; replaces valine 362 with methionine.
Molecular consequence: missense variant.
Genome position (GRCh38, 1-based): chr18:53,063,403, G>A. VCF-style: chr18-53063403-G-A. GRCh37 (hg19) VCF-style: chr18-50589773-G-A.
Other names: short protein forms V362M.
Identifiers: ClinVar variation 1204338 (VCV001204338.3), dbSNP rs2144080946, ClinGen allele CA402517058.
Genomic context (GRCh38, chr18:53,063,403, plus strand): 5'-GCCTATGAAAGCATGGATATTGAGTTTGAATGTACAGTCTCTGGAAAGCCTGTGCCCACT[G>A]TGAATTGGATGAAGAATGGAGATGTGGTCATTCCTAGTGATTATTTTCAGATAGTGGTAA-3'
Protein context (NP_005206.2, residues 352-372): CTVSGKPVPT[Val362Met]NWMKNGDVVI

ClinVar aggregate classification (germline): Uncertain significance (1 of 4 stars; one submission).

Allele frequency attached by ClinVar (database versions not stated): gnomAD exomes below 0.00001.
gnomAD v4.1: 1 of 1,612,286 alleles (0.000062%); highest among the groups gnomAD compares: Non-Finnish European, 0.000085%; no homozygotes.

Submission:

GeneDx
Classification: Uncertain significance. Last evaluated: 2020-01-09. Review status: criteria provided, single submitter. Criteria: GeneDx Variant Classification Process June 2021. Collection method: clinical testing. Allele origin: germline. Affected: yes.
Comment: Not observed in large population cohorts (Lek et al., 2016); In silico analysis, which includes protein predictors and evolutionary conservation, supports a deleterious effect; Has not been previously published as pathogenic or benign to our knowledge